The following is an entry in ClinVar:

ClinVar aggregate classification (germline): Likely pathogenic (1 of 4 stars; one submission).

Allele frequency attached by ClinVar (database versions not stated): gnomAD exomes below 0.00001.
gnomAD v4.1: 2 of 1,585,962 alleles (0.00013%); highest among the groups gnomAD compares: East Asian, 0.0023%; no homozygotes.

Submission:

Labcorp Genetics (formerly Invitae), Labcorp
Classification: Likely pathogenic. Last evaluated: 2022-11-04. Review status: criteria provided, single submitter. Criteria: Invitae Variant Classification Sherloc (09022015). Collection method: clinical testing. Allele origin: germline.
Comment: In summary, the currently available evidence indicates that the variant is pathogenic, but additional data are needed to prove that conclusively. Therefore, this variant has been classified as Likely Pathogenic. Algorithms developed to predict the effect of sequence changes on RNA splicing suggest that this variant may disrupt the consensus splice site. This variant has not been reported in the literature in individuals affected with MYO5B-related conditions. This variant is not present in population databases (gnomAD no frequency). This sequence change affects an acceptor splice site in intron 15 of the MYO5B gene. It is expected to disrupt RNA splicing. Variants that disrupt the donor or acceptor splice site typically lead to a loss of protein function (PMID: 16199547), and loss-of-function variants in MYO5B are known to be pathogenic (PMID: 18724368, 20186687).

Literature cited by the submitters: PubMed 16199547; PubMed 18724368; PubMed 20186687.

NM_001080467.3(MYO5B):c.1906-2A>C

Gene: MYO5B (myosin VB; minus strand). Cytogenetic location: 18q21.1.
Variant type: single nucleotide variant.
Coding change: c.1906-2A>C on transcript NM_001080467.3 (MANE Select); the canonical splice acceptor site of the intron before coding-DNA position 1906, A replaced by C.
Molecular consequence: splice acceptor variant.
Genome position (GRCh38, 1-based): chr18:49,936,351, T>G on the plus strand (A>C on the coding strand, the complement: MYO5B is on the minus strand). VCF-style: chr18-49936351-T-G. GRCh37 (hg19) VCF-style: chr18-47462721-T-G.
Identifiers: ClinVar variation 2812142 (VCV002812142.3), dbSNP rs2511303393, ClinGen allele CA402444867.